The following is an entry in ClinVar:

NM_001190274.2(FBXO11):c.2438C>T (p.Thr813Ile)

Genes: FBXO11 (F-box protein 11; minus strand), MSH6 (mutS homolog 6; plus strand). Cytogenetic location: 2p16.3.
Variant type: single nucleotide variant.
Coding change: c.2438C>T on transcript NM_001190274.2 (MANE Select); coding-DNA position 2438, C replaced by T.
Protein change: p.Thr813Ile; replaces threonine 813 with isoleucine.
Molecular consequence: missense variant. On other transcripts: intron variant (6).
Genome position (GRCh38, 1-based): chr2:47,809,608, G>A on the plus strand (C>T on the coding strand, the complement: FBXO11 is on the minus strand). VCF-style: chr2-47809608-G-A. GRCh37 (hg19) VCF-style: chr2-48036747-G-A.
Other names: c.2186C>T, p.Thr729Ile (NM_001374325.1, NM_025133.4); c.*44-391G>A (NM_001406809.1); c.*41-391G>A (NM_001406796.1, NM_001406811.1, NM_001406805.1 and 2 more transcripts); short protein forms T813I, T729I.
Identifiers: ClinVar variation 4991169 (VCV004991169.1).

ClinVar aggregate classification (germline): Uncertain significance (1 of 4 stars; one submission).

Conditions:
FBXO11-related disorder. Also called: FBXO11-related condition.

Submission:

PreventionGenetics, part of Exact Sciences
Classification: Uncertain significance for FBXO11-related condition. Last evaluated: 2026-02-02. Review status: criteria provided, single submitter. Criteria: ACMG Guidelines, 2015. Collection method: clinical testing. Allele origin: germline.
Comment: The FBXO11 c.2438C>T variant is predicted to result in the amino acid substitution p.Thr813Ile. To our knowledge, this variant has not been reported in the literature or in a large population database (gnomAD), indicating this variant is rare. At this time, the clinical significance of this variant is uncertain due to the absence of conclusive functional and genetic evidence.